The following is an entry in ClinVar:

ClinVar aggregate classification (germline): Pathogenic. Review status: criteria provided, single submitter (1 of 4 stars). 2 submissions from 2 submitters: Pathogenic (1). 1 of the submissions does not count toward it. Last evaluated 2022-10-11.

Conditions:
Retinitis pigmentosa (RP). Identifiers: Orphanet 791, MedGen C0035334, MeSH D012174, MONDO:0019200, OMIM 268000. Inheritance: Autosomal dominant, autosomal recessive and X linked inheritance.
Retinitis pigmentosa 1 (RP1). Identifiers: Orphanet 791, MedGen C0220701, MONDO:0008377, OMIM 180100.

Submissions (2):

Institute of Human Genetics, University of Leipzig Medical Center
Classification: Pathogenic for Retinitis pigmentosa 1. Last evaluated: 2022-10-11. Review status: criteria provided, single submitter. Criteria: ACMG Guidelines, 2015. Collection method: clinical testing. Allele origin: unknown. Affected: yes.
Comment: _x000D_ Criteria applied: PVS1, PS4_MOD, PM2_SUP

Department of Clinical Genetics, Copenhagen University Hospital, Rigshospitalet
Classification: Likely pathogenic for Retinitis pigmentosa. Last evaluated: 2018-04-01. Review status: no assertion criteria provided. Collection method: research. Allele origin: unknown. Affected: yes. Study: VeluxRD. Not counted in ClinVar's aggregate classification.

Literature cited by the submitters: PubMed 30718709 (cited by Department of Clinical Genetics, Copenhagen University Hospital, Rigshospitalet).

NM_006269.2(RP1):c.2055T>G (p.Tyr685Ter)

Gene: RP1 (RP1 axonemal microtubule associated; plus strand). Cytogenetic location: 8q12.1.
Variant type: single nucleotide variant.
Coding change: c.2055T>G on transcript NM_006269.2 (MANE Select); coding-DNA position 2055, T replaced by G.
Protein change: p.Tyr685Ter; replaces tyrosine 685 with a stop codon.
Molecular consequence: nonsense.
Genome position (GRCh38, 1-based): chr8:54,625,937, T>G. VCF-style: chr8-54625937-T-G. GRCh37 (hg19) VCF-style: chr8-55538497-T-G.
Other names: short protein forms Y685*.
Identifiers: ClinVar variation 636089 (VCV000636089.3), dbSNP rs1250214380, ClinGen allele CA370992628.